The following is an entry in ClinVar:

NC_000016.9:g.(?_89805009)_(89825133_?)del

Genes: ZNF276 (zinc finger protein 276; plus strand), FANCA (FA complementation group A; minus strand). Cytogenetic location: 16q24.3.
Variant type: Deletion.
Identifiers: ClinVar variation 3243267 (VCV003243267.1).

ClinVar aggregate classification (germline): Pathogenic (1 of 4 stars; one submission).

Conditions:
Fanconi anemia (FA). Also called: Fanconi's anemia. Identifiers: Orphanet 84, MedGen C0015625, MeSH D005199, MONDO:0019391.

Submission:

Labcorp Genetics (formerly Invitae), Labcorp
Classification: Pathogenic for Fanconi anemia. Last evaluated: 2023-11-24. Review status: criteria provided, single submitter. Criteria: Invitae Variant Classification Sherloc (09022015). Collection method: clinical testing. Allele origin: unknown.
Comment: This variant is a gross deletion of the genomic region encompassing exon(s) 30-43 of the FANCA gene, which includes the termination codon. This deletion extends beyond the assayed region for this gene and therefore may encompass additional genes. While this deletion is not anticipated to lead to nonsense mediated decay, it is expected to alter mRNA translation or result in a truncated protein product. A similar copy number variant has been observed in individuals with Fanconi anemia (PMID: 29098742). This variant disrupts a region of the FANCA protein in which other variant(s) (Deletion (Exons 31-43)) have been determined to be pathogenic (Invitae). This suggests that this is a clinically significant region of the protein, and that variants that disrupt it are likely to be disease-causing. For these reasons, this variant has been classified as Pathogenic.

Literature cited by the submitters: PubMed 29098742.